The following is an entry in ClinVar:

ClinVar aggregate classification (germline): Pathogenic (1 of 4 stars; one submission).

Submission:

Labcorp Genetics (formerly Invitae), Labcorp
Classification: Pathogenic. Last evaluated: 2023-04-06. Review status: criteria provided, single submitter. Criteria: Invitae Variant Classification Sherloc (09022015). Collection method: clinical testing. Allele origin: germline.
Comment: This sequence change creates a premature translational stop signal (p.Pro700Serfs*11) in the LAMC3 gene. It is expected to result in an absent or disrupted protein product. Loss-of-function variants in LAMC3 are known to be pathogenic (PMID: 21572413, 26802095). This variant is not present in population databases (gnomAD no frequency). This variant has not been reported in the literature in individuals affected with LAMC3-related conditions. For these reasons, this variant has been classified as Pathogenic.

Literature cited by the submitters: PubMed 21572413; PubMed 26802095.

NM_006059.4(LAMC3):c.2096dup (p.Pro700fs)

Gene: LAMC3 (laminin subunit gamma 3; plus strand). Cytogenetic location: 9q34.12.
Variant type: Duplication.
Coding change: c.2096dup on transcript NM_006059.4 (MANE Select); coding-DNA position 2096, one base duplicated (G; older notation c.2096dupG).
Protein change: p.Pro700fs; shifts the reading frame from proline 700.
Molecular consequence: frameshift variant.
Genome position (GRCh38, 1-based): chr9:131,057,085, G duplicated; the last of 6 consecutive G bases (chr9:131,057,080-131,057,085); duplicating any one gives the same sequence. VCF-style (leftmost placement, unchanged base first): chr9-131057079-A-AG. GRCh37 (hg19) VCF-style: chr9-133932466-A-AG.
Other names: short protein forms P700fs.
Identifiers: ClinVar variation 2846631 (VCV002846631.3), dbSNP rs1834422790, ClinGen allele CA1881572375.